The following is an entry in ClinVar:

NM_001371596.2(MFSD8):c.1036del (p.Val346fs)

Gene: MFSD8 (major facilitator superfamily domain containing 8; minus strand). Cytogenetic location: 4q28.2.
Variant type: Deletion.
Coding change: c.1036del on transcript NM_001371596.2 (MANE Select); coding-DNA position 1036, one base deleted (G; older notation c.1036delG).
Protein change: p.Val346fs; shifts the reading frame from valine 346.
Molecular consequence: frameshift variant.
Genome position (GRCh38, 1-based): chr4:127,921,926, C deleted on the plus strand (G on the coding strand, the reverse complement: MFSD8 is on the minus strand). VCF-style (leftmost placement, unchanged base first): chr4-127921925-AC-A. GRCh37 (hg19) VCF-style: chr4-128843080-AC-A.
Other names: c.835delG, p.Val279Leufs (NM_001363520.3); c.721delG, p.Val241Leufs (NM_001363521.3); c.901delG, p.Val301Leufs (NM_001371590.2); c.1036delG, p.Val346Leufs (NM_001371591.2); c.1042delG, p.Val348Leufs (NM_001371592.2); c.922delG, p.Val308Leufs (NM_001371593.2); c.889delG, p.Val297Leufs (NM_001371594.2); c.754del, p.Val252fs (NM_001371595.1); and 2 more; short protein forms V241fs, V346fs, V279fs, V252fs, V297fs, V301fs, V308fs, V348fs.
Identifiers: ClinVar variation 464776 (VCV000464776.10), dbSNP rs1439582451, ClinGen allele CA554736864.

ClinVar aggregate classification (germline): Pathogenic/Likely pathogenic. Review status: criteria provided, multiple submitters, no conflicts (2 of 4 stars). 3 submissions from 3 submitters: Pathogenic (1); Likely pathogenic (2). Last evaluated 2025-02-04.

Conditions:
Neuronal ceroid lipofuscinosis 7 (CLN7). Also called: MFSD8-Related Neuronal Ceroid-Lipofuscinosis. Identifiers: Orphanet 168491, Orphanet 228366, MedGen C1838571, MONDO:0012588, OMIM 610951.
Late-infantile neuronal ceroid lipofuscinosis. Also called: Jansky-Bielschowsky disease. Identifiers: MedGen C0022340, MONDO:0015674.

Allele frequency attached by ClinVar (database versions not stated): gnomAD exomes below 0.00001 and 0.00001; TOPMed below 0.00001.

Submissions (3):

Natera, Inc.
Classification: Likely pathogenic for Late-infantile neuronal ceroid lipofuscinosis. Last evaluated: 2025-02-04. Review status: criteria provided, single submitter. Criteria: Natera Variant Classification Schema (03/2026). Collection method: clinical testing. Allele origin: germline.
Comment: The c.1036delG variant in MFSD8 is a frameshift variant predicted to shift the reading frame beginning at codon 346 and leads to a stop codon 68 codons downstream. This variant is expected to result in nonsense mediated decay, truncation, or a dysfunctional protein product. This variant is rare in the general population with a frequency below the threshold expected for the associated phenotype(s). Given the available evidence, this variant is classified as Likely Pathogenic.

Labcorp Genetics (formerly Invitae), Labcorp
Classification: Pathogenic for Neuronal ceroid lipofuscinosis 7. Last evaluated: 2024-03-10. Review status: criteria provided, single submitter. Criteria: Invitae Variant Classification Sherloc (09022015). Collection method: clinical testing. Allele origin: germline.
Comment: This sequence change creates a premature translational stop signal (p.Val346Leufs*68) in the MFSD8 gene. It is expected to result in an absent or disrupted protein product. Loss-of-function variants in MFSD8 are known to be pathogenic (PMID: 19177532, 25227500, 28586915). This variant is present in population databases (no rsID available, gnomAD 0.0009%). This variant has not been reported in the literature in individuals affected with MFSD8-related conditions. ClinVar contains an entry for this variant (Variation ID: 464776). For these reasons, this variant has been classified as Pathogenic.

GeneDx
Classification: Likely pathogenic. Last evaluated: 2018-12-19. Review status: criteria provided, single submitter. Criteria: GeneDx Variant Classification (06012015). Collection method: clinical testing. Allele origin: germline. Affected: yes.
Comment: The c.1036delG variant has not been published as a pathogenic variant, nor has it been reported as a benign variant to our knowledge. The c.1036delG variant is not observed at a significant frequency in large population cohorts (Lek et al., 2016). The c.1036delG variant causes a frameshift starting with codon Valine 346, changes this amino acid to a Leucine residue and creates a premature Stop codon at position 68 of the new reading frame, denoted p.Val346LeufsX68. This variant is predicted to cause loss of normal protein function either through protein truncation or nonsense-mediated mRNA decay. Therefore, this variant is likely pathogenic; however, the possibility that it is benign cannot be excluded.

Literature cited by the submitters: PubMed 19177532 (cited by Labcorp Genetics (formerly Invitae), Labcorp); PubMed 25227500 (cited by Labcorp Genetics (formerly Invitae), Labcorp); PubMed 28586915 (cited by Labcorp Genetics (formerly Invitae), Labcorp).